The following is an entry in ClinVar:

ClinVar aggregate classification (germline): Uncertain significance (1 of 4 stars; one submission).

Conditions:
Inborn genetic diseases. Identifiers: MedGen C0950123, MeSH D030342.

Submission:

Ambry Genetics
Classification: Uncertain significance for Inborn genetic diseases. Last evaluated: 2025-12-28. Review status: criteria provided, single submitter. Criteria: Ambry Variant Classification Scheme 2023. Collection method: clinical testing. Allele origin: germline.
Comment: The p.R128G variant (also known as c.382A>G), located in coding exon 2 of the ERCC6L2 gene, results from an A to G substitution at nucleotide position 382. The arginine at codon 128 is replaced by glycine, an amino acid with dissimilar properties. This amino acid position is conserved. In addition, this alteration is predicted to be deleterious by in silico analysis. Based on the available evidence, the clinical significance of this variant remains unclear.

NM_020207.7(ERCC6L2):c.382A>G (p.Arg128Gly)

Gene: ERCC6L2 (ERCC excision repair 6 like 2; plus strand). Cytogenetic location: 9q22.32.
Variant type: single nucleotide variant.
Coding change: c.382A>G on transcript NM_020207.7 (MANE Select); coding-DNA position 382, A replaced by G.
Protein change: p.Arg128Gly; replaces arginine 128 with glycine.
Molecular consequence: missense variant. On other transcripts: non-coding transcript variant (1).
Genome position (GRCh38, 1-based): chr9:95,881,204, A>G. VCF-style: chr9-95881204-A-G. GRCh37 (hg19) VCF-style: chr9-98643486-A-G.
Other names: c.382A>G, p.Arg128Gly (NM_001010895.4, NM_001375291.1, NM_001375292.1 and 2 more transcripts); short protein forms R128G.
Identifiers: ClinVar variation 4618789 (VCV004618789.2).